The following is an entry in ClinVar:

ClinVar aggregate classification (germline): Benign/Likely benign. Review status: criteria provided, multiple submitters, no conflicts (2 of 4 stars). 3 submissions from 3 submitters: Benign (1); Likely benign (1). 1 of the submissions does not count toward it. Last evaluated 2026-01-11.

Conditions:
RASopathy. Also called: Noonan spectrum disorder; rasopathies. Identifiers: Orphanet 536391, MedGen C5555857, MONDO:0021060.
BRAF-related disorder. Also called: BRAF-related condition.

Allele frequency attached by ClinVar (database versions not stated): TOPMed below 0.00001; gnomAD exomes 0.00009; gnomAD 0.00013; ExAC 0.00017.

Submissions (3):

Labcorp Genetics (formerly Invitae), Labcorp
Classification: Benign for RASopathy. Last evaluated: 2026-01-11. Review status: criteria provided, single submitter. Criteria: Invitae Variant Classification Sherloc (09022015). Collection method: clinical testing. Allele origin: germline.

Blueprint Genetics
Classification: Likely benign. Last evaluated: 2024-07-15. Review status: criteria provided, single submitter. Criteria: ACMG Guidelines, 2015. Collection method: clinical testing. Allele origin: germline.

PreventionGenetics, part of Exact Sciences
Classification: Likely benign for BRAF-related condition. Last evaluated: 2020-04-13. Review status: no assertion criteria provided. Collection method: clinical testing. Allele origin: germline. Not counted in ClinVar's aggregate classification.
Comment: This variant is classified as likely benign based on ACMG/AMP sequence variant interpretation guidelines (Richards et al. 2015 PMID: 25741868, with internal and published modifications).

NM_004333.6(BRAF):c.1993-10dup

Gene: BRAF (B-Raf proto-oncogene, serine/threonine kinase; minus strand). Cytogenetic location: 7q34.
Variant type: Duplication.
Coding change: c.1993-10dup on transcript NM_004333.6 (MANE Select); 10 bases into the intron before coding-DNA position 1993, one base duplicated (C; older notation c.1993-10dupC).
Molecular consequence: intron variant.
Genome position (GRCh38, 1-based): chr7:140,739,956, G duplicated on the plus strand (C on the coding strand, the reverse complement: BRAF is on the minus strand). VCF-style (leftmost placement, unchanged base first): chr7-140739955-A-AG. GRCh37 (hg19) VCF-style: chr7-140439755-A-AG.
Other names: c.1993-10dup (NM_001378474.1, NM_001378468.1, NM_001354609.2); c.1891-10dup (NM_001378470.1); c.1729-10dup (NM_001378475.1); c.1882-10dup (NM_001378471.1); c.2113-10dup (NM_001374258.1, NM_001374244.1); c.2002-10dup (NM_001378467.1); c.1837-10dup (NM_001378472.1, NM_001378473.1); c.1927-10dup (NM_001378469.1); and 1 more.
Identifiers: ClinVar variation 2199512 (VCV002199512.7), dbSNP rs776058053, ClinGen allele CA4516603.